The following is an entry in ClinVar:

NM_199420.4(POLQ):c.1618G>T (p.Val540Phe)

Gene: POLQ (DNA polymerase theta; minus strand). Cytogenetic location: 3q13.33.
Variant type: single nucleotide variant.
Coding change: c.1618G>T on transcript NM_199420.4 (MANE Select); coding-DNA position 1618, G replaced by T.
Protein change: p.Val540Phe; replaces valine 540 with phenylalanine.
Molecular consequence: missense variant.
Genome position (GRCh38, 1-based): chr3:121,510,237, C>A on the plus strand (G>T on the coding strand, the complement: POLQ is on the minus strand). VCF-style: chr3-121510237-C-A. GRCh37 (hg19) VCF-style: chr3-121229084-C-A.
Other names: short protein forms V540F.
Identifiers: ClinVar variation 2563833 (VCV002563833.2), dbSNP rs2546802735, ClinGen allele CA354115319.

ClinVar aggregate classification (germline): Uncertain significance (1 of 4 stars; one submission).

Submission:

Ambry Genetics
Classification: Uncertain significance. Last evaluated: 2023-05-05. Review status: criteria provided, single submitter. Criteria: Ambry Variant Classification Scheme 2023. Collection method: clinical testing. Allele origin: germline.
Comment: The p.V540F variant (also known as c.1618G>T), located in coding exon 11 of the POLQ gene, results from a G to T substitution at nucleotide position 1618. The valine at codon 540 is replaced by phenylalanine, an amino acid with highly similar properties. This amino acid position is conserved. In addition, the in silico prediction for this alteration is inconclusive. Since supporting evidence is limited at this time, the clinical significance of this alteration remains unclear.